The following is an entry in ClinVar:

NM_000255.4(MMUT):c.*34A>G

Gene: MMUT (methylmalonyl-CoA mutase; minus strand). Cytogenetic location: 6p12.3.
Variant type: single nucleotide variant.
Coding change: c.*34A>G on transcript NM_000255.4 (MANE Select); 34 bases downstream of the stop codon, A replaced by G.
Molecular consequence: 3 prime UTR variant.
Genome position (GRCh38, 1-based): chr6:49,431,694, T>C on the plus strand (A>G on the coding strand, the complement: MMUT is on the minus strand). VCF-style: chr6-49431694-T-C. GRCh37 (hg19) VCF-style: chr6-49399407-T-C.
Identifiers: ClinVar variation 908777 (VCV000908777.7), dbSNP rs199933641, ClinGen allele CA3846611.

ClinVar aggregate classification (germline): Likely benign. Review status: criteria provided, multiple submitters, no conflicts (2 of 4 stars). 2 submissions from 2 submitters: Likely benign (2). Last evaluated 2019-06-09.

Conditions:
Methylmalonic aciduria due to methylmalonyl-CoA mutase deficiency (MAMM). Also called: Methylmalonic aciduria, mut type. Identifiers: Orphanet 27, MedGen C1855114, MONDO:0009612, OMIM 251000.

Allele frequency attached by ClinVar (database versions not stated): gnomAD exomes 0.00028 and 0.00095; ExAC 0.00112; gnomAD 0.00327 and 0.00345; 1000 Genomes Project 0.00359; TOPMed 0.00380; ESP Exome Variant Server 0.00384; 1000 Genomes Project 30x 0.00406.
gnomAD v4.1: 924 of 1,595,810 alleles (0.058%); highest among the groups gnomAD compares: African/African-American, 1.1%; 8 homozygotes.

Submissions (2):

GeneDx
Classification: Likely benign. Last evaluated: 2019-06-09. Review status: criteria provided, single submitter. Criteria: GeneDx Variant Classification Process June 2021. Collection method: clinical testing. Allele origin: germline. Affected: yes.

Illumina Laboratory Services, Illumina
Classification: Likely benign for Methylmalonic aciduria due to methylmalonyl-CoA mutase deficiency. Last evaluated: 2018-01-12. Review status: criteria provided, single submitter. Criteria: ICSL Variant Classification Criteria 13 December 2019. Collection method: clinical testing. Allele origin: germline.
Comment: This variant was observed in the ICSL laboratory as part of a predisposition screen in an ostensibly healthy population. It had not been previously curated by ICSL or reported in the Human Gene Mutation Database (HGMD: prior to June 1st, 2018), and was therefore a candidate for classification through an automated scoring system. Utilizing variant allele frequency, disease prevalence and penetrance estimates, and inheritance mode, an automated score was calculated to assess if this variant is too frequent to cause the disease. Based on the score and internal cut-off values, a variant classified as likely benign is not then subjected to further curation. The score for this variant resulted in a classification of likely benign for this disease.